The following is an entry in ClinVar:

ClinVar aggregate classification (germline): Uncertain significance (1 of 4 stars; one submission).

Conditions:
Hereditary cancer-predisposing syndrome. Also called: Hereditary Cancer Syndrome; Hereditary neoplastic syndrome; Neoplastic Syndromes, Hereditary; Tumor predisposition. Identifiers: Orphanet 140162, MedGen C0027672, MeSH D009386, MONDO:0015356.

Allele frequency attached by ClinVar (database versions not stated): gnomAD exomes below 0.00001.
gnomAD v4.1: 1 of 1,614,136 alleles (0.000062%); highest among the groups gnomAD compares: Non-Finnish European, 0.000085%; no homozygotes.

Submission:

Ambry Genetics
Classification: Uncertain significance for Hereditary cancer-predisposing syndrome. Last evaluated: 2020-10-20. Review status: criteria provided, single submitter. Criteria: Ambry Variant Classification Scheme 2023. Collection method: clinical testing. Allele origin: germline.
Comment: The p.L5I variant (also known as c.13C>A), located in coding exon 1 of the CDC73 gene, results from a C to A substitution at nucleotide position 13. The leucine at codon 5 is replaced by isoleucine, an amino acid with highly similar properties. This amino acid position is highly conserved in available vertebrate species. In addition, this alteration is predicted to be deleterious by in silico analysis. Since supporting evidence is limited at this time, the clinical significance of this alteration remains unclear.

NM_024529.5(CDC73):c.13C>A (p.Leu5Ile)

Gene: CDC73 (cell division cycle 73; plus strand). Cytogenetic location: 1q31.2.
Variant type: single nucleotide variant.
Coding change: c.13C>A on transcript NM_024529.5 (MANE Select); coding-DNA position 13, C replaced by A.
Protein change: p.Leu5Ile; replaces leucine 5 with isoleucine.
Molecular consequence: missense variant.
Genome position (GRCh38, 1-based): chr1:193,122,213, C>A. VCF-style: chr1-193122213-C-A. GRCh37 (hg19) VCF-style: chr1-193091343-C-A.
Other names: short protein forms L5I.
Identifiers: ClinVar variation 1771756 (VCV001771756.2), dbSNP rs1296841626, ClinGen allele CA343972748.